The following is an entry in ClinVar:

NM_031471.6(FERMT3):c.787-8C>A

Gene: FERMT3 (FERM domain containing kindlin 3; plus strand). Cytogenetic location: 11q13.1.
Variant type: single nucleotide variant.
Coding change: c.787-8C>A on transcript NM_031471.6 (MANE Select); 8 bases into the intron before coding-DNA position 787, C replaced by A.
Molecular consequence: intron variant.
Genome position (GRCh38, 1-based): chr11:64,219,243, C>A. VCF-style: chr11-64219243-C-A. GRCh37 (hg19) VCF-style: chr11-63986715-C-A.
Other names: c.787-8C>A (NM_001382448.1, NM_178443.3, NM_001382362.1 and 1 more transcripts); c.247-8C>A (NM_001382364.1, NM_001382363.1).
Identifiers: ClinVar variation 1519040 (VCV001519040.7), dbSNP rs202116077, ClinGen allele CA223844060.

ClinVar aggregate classification (germline): Uncertain significance (1 of 4 stars; one submission).

Conditions:
Leukocyte adhesion deficiency 3. Also called: INTEGRIN ACTIVATION DEFICIENCY DISEASE; LEUKOCYTE ADHESION DEFICIENCY 1 VARIANT; Leukocyte adhesion deficiency, type III. Identifiers: Orphanet 2968, Orphanet 99844, MedGen C2748536, MONDO:0013016, OMIM 612840.

gnomAD v4.1: 5 of 1,578,392 alleles (0.00032%); highest among the groups gnomAD compares: African/African-American, 0.0041%; no homozygotes.

Submission:

Labcorp Genetics (formerly Invitae), Labcorp
Classification: Uncertain significance for Leukocyte adhesion deficiency 3. Last evaluated: 2024-02-17. Review status: criteria provided, single submitter. Criteria: Invitae Variant Classification Sherloc (09022015). Collection method: clinical testing. Allele origin: germline.
Comment: This sequence change falls in intron 6 of the FERMT3 gene. It does not directly change the encoded amino acid sequence of the FERMT3 protein. This variant is not present in population databases (gnomAD no frequency). This variant has not been reported in the literature in individuals affected with FERMT3-related conditions. ClinVar contains an entry for this variant (Variation ID: 1519040). Algorithms developed to predict the effect of sequence changes on RNA splicing suggest that this variant may disrupt the consensus splice site. In summary, the available evidence is currently insufficient to determine the role of this variant in disease. Therefore, it has been classified as a Variant of Uncertain Significance.